The following is an entry in ClinVar:

ClinVar aggregate classification (germline): Uncertain significance. Review status: criteria provided, multiple submitters, no conflicts (2 of 4 stars). 2 submissions from 2 submitters: Uncertain significance (2). Last evaluated 2024-02-08.

Conditions:
ALG9 congenital disorder of glycosylation (CDG1L). Also called: CDG Il; CONGENITAL DISORDER OF GLYCOSYLATION, TYPE Il; ALG9-CDG. Identifiers: Orphanet 79328, MedGen C2931006, MONDO:0012117, OMIM 608776.

Allele frequency attached by ClinVar (database versions not stated): gnomAD exomes below 0.00001; TOPMed 0.00001.
gnomAD v4.1: 3 of 1,613,462 alleles (0.00019%); highest among the groups gnomAD compares: Admixed American, 0.005%; no homozygotes.

Submissions (2):

GeneDx
Classification: Uncertain significance. Last evaluated: 2024-02-08. Review status: criteria provided, single submitter. Criteria: GeneDx Variant Classification Process June 2021. Collection method: clinical testing. Allele origin: germline. Affected: yes.
Comment: Not observed at significant frequency in large population cohorts (gnomAD); In silico analysis, which includes protein predictors and evolutionary conservation, supports that this variant does not alter protein structure/function; Has not been previously published as pathogenic or benign to our knowledge

Labcorp Genetics (formerly Invitae), Labcorp
Classification: Uncertain significance for ALG9 congenital disorder of glycosylation. Last evaluated: 2022-03-25. Review status: criteria provided, single submitter. Criteria: Invitae Variant Classification Sherloc (09022015). Collection method: clinical testing. Allele origin: germline.
Comment: In summary, the available evidence is currently insufficient to determine the role of this variant in disease. Therefore, it has been classified as a Variant of Uncertain Significance. Algorithms developed to predict the effect of missense changes on protein structure and function output the following: SIFT: "Tolerated"; PolyPhen-2: "Benign"; Align-GVGD: "Class C0". The valine amino acid residue is found in multiple mammalian species, which suggests that this missense change does not adversely affect protein function. ClinVar contains an entry for this variant (Variation ID: 1310504). This variant has not been reported in the literature in individuals affected with ATP6V0A2-related conditions. This variant is present in population databases (no rsID available, gnomAD 0.003%). This sequence change replaces isoleucine, which is neutral and non-polar, with valine, which is neutral and non-polar, at codon 453 of the ATP6V0A2 protein (p.Ile453Val).

NM_012463.4(ATP6V0A2):c.1357A>G (p.Ile453Val)

Gene: ATP6V0A2 (ATPase H+ transporting V0 subunit a2; plus strand). Cytogenetic location: 12q24.31.
Variant type: single nucleotide variant.
Coding change: c.1357A>G on transcript NM_012463.4 (MANE Select); coding-DNA position 1357, A replaced by G.
Protein change: p.Ile453Val; replaces isoleucine 453 with valine.
Molecular consequence: missense variant.
Genome position (GRCh38, 1-based): chr12:123,744,627, A>G. VCF-style: chr12-123744627-A-G. GRCh37 (hg19) VCF-style: chr12-124229174-A-G.
Other names: short protein forms I453V.
Identifiers: ClinVar variation 1310504 (VCV001310504.7), dbSNP rs911881776, ClinGen allele CA245200680.
Genomic context (GRCh38, chr12:123,744,627, plus strand): 5'-CATATTCTGCCCCCGCCTTGCCCTTCACAGATCATGAGGATGTTTTTTAATGGCCGGTAC[A>G]TCCTCCTGCTGATGGGGCTGTTCTCAGTGTACACTGGCCTCATCTACAACGACTGCTTTT-3'
Protein context (NP_036595.2, residues 443-463): IMRMFFNGRY[Ile453Val]LLLMGLFSVY